The following is an entry in ClinVar:

NM_000981.4(RPL19):c.114T>A (p.Arg38=)

Gene: RPL19 (ribosomal protein L19; plus strand). Cytogenetic location: 17q12.
Variant type: single nucleotide variant.
Coding change: c.114T>A on transcript NM_000981.4 (MANE Select); coding-DNA position 114, T replaced by A.
Protein change: p.Arg38=; no amino-acid change (arginine 38 retained).
Molecular consequence: synonymous variant.
Genome position (GRCh38, 1-based): chr17:39,202,318, T>A. VCF-style: chr17-39202318-T-A. GRCh37 (hg19) VCF-style: chr17-37358571-T-A.
Other names: c.108T>A, p.Arg36= (NM_001330200.1).
Identifiers: ClinVar variation 3710568 (VCV003710568.2).
Genomic context (GRCh38, chr17:39,202,318, plus strand): 5'-TGGACTCTGTGATGTGCTTGGGCCCCAGTTGACTGACCAGGTGCATTATGCTTTCCCAGG[T>A]CAGCAGATCCGGAAGCTCATCAAAGATGGGCTGATCATCCGCAAGCCTGTGACGGTCCAT-3'
Protein context (NP_000972.1, residues 28-48): ETNEIANANS[Arg38=]QQIRKLIKDG

ClinVar aggregate classification (germline): Uncertain significance (1 of 4 stars; one submission).

gnomAD v4.1: 11 of 1,613,422 alleles (0.00068%); highest among the groups gnomAD compares: African/African-American, 0.015%; no homozygotes.

Submission:

Labcorp Genetics (formerly Invitae), Labcorp
Classification: Uncertain significance. Last evaluated: 2025-12-15. Review status: criteria provided, single submitter. Criteria: Invitae Variant Classification Sherloc (09022015). Collection method: clinical testing. Allele origin: germline.
Comment: This sequence change affects codon 38 of the RPL19 mRNA. It is a 'silent' change, meaning that it does not change the encoded amino acid sequence of the RPL19 protein. This variant is present in population databases (rs373056984, gnomAD 0.02%). This variant has not been reported in the literature in individuals affected with RPL19-related conditions. ClinVar contains an entry for this variant (Variation ID: 3710568). Algorithms developed to predict the effect of sequence changes on RNA splicing suggest that this variant may create or strengthen a splice site. In summary, the available evidence is currently insufficient to determine the role of this variant in disease. Therefore, it has been classified as a Variant of Uncertain Significance.